The following is an entry in ClinVar:

ClinVar aggregate classification (germline): Uncertain significance (1 of 4 stars; one submission).

Allele frequency attached by ClinVar (database versions not stated): ExAC 0.00004; TOPMed 0.00004; gnomAD 0.00005; gnomAD exomes 0.00005.
gnomAD v4.1: 80 of 1,612,078 alleles (0.005%); highest among the groups gnomAD compares: African/African-American, 0.0093%; no homozygotes.

Submission:

Labcorp Genetics (formerly Invitae), Labcorp
Classification: Uncertain significance. Last evaluated: 2022-05-25. Review status: criteria provided, single submitter. Criteria: Invitae Variant Classification Sherloc (09022015). Collection method: clinical testing. Allele origin: germline.
Comment: In summary, the available evidence is currently insufficient to determine the role of this variant in disease. Therefore, it has been classified as a Variant of Uncertain Significance. This sequence change falls in intron 11 of the ATP13A3 gene. It does not directly change the encoded amino acid sequence of the ATP13A3 protein. It affects a nucleotide within the consensus splice site. This variant is present in population databases (rs559688641, gnomAD 0.04%), and has an allele count higher than expected for a pathogenic variant. This variant has not been reported in the literature in individuals affected with ATP13A3-related conditions. Variants that disrupt the consensus splice site are a relatively common cause of aberrant splicing (PMID: 17576681, 9536098). Algorithms developed to predict the effect of sequence changes on RNA splicing suggest that this variant is not likely to affect RNA splicing.

Literature cited by the submitters: PubMed 17576681; PubMed 9536098.

NM_001367549.1(ATP13A3):c.1150+3A>G

Gene: ATP13A3 (ATPase 13A3; minus strand). Cytogenetic location: 3q29.
Variant type: single nucleotide variant.
Coding change: c.1150+3A>G on transcript NM_001367549.1 (MANE Select); 3 bases into the intron after coding-DNA position 1150, A replaced by G.
Molecular consequence: intron variant.
Genome position (GRCh38, 1-based): chr3:194,448,454, T>C on the plus strand (A>G on the coding strand, the complement: ATP13A3 is on the minus strand). VCF-style: chr3-194448454-T-C. GRCh37 (hg19) VCF-style: chr3-194169183-T-C.
Other names: c.1069+3A>G (NM_001374836.1); c.1150+3A>G (NM_024524.4).
Identifiers: ClinVar variation 1937628 (VCV001937628.5), dbSNP rs559688641, ClinGen allele CA2762056.